The following is an entry in ClinVar:

ClinVar aggregate classification (germline): Uncertain significance. Review status: criteria provided, multiple submitters, no conflicts (2 of 4 stars). 2 submissions from 2 submitters: Uncertain significance (2). Last evaluated 2025-05-18.

Conditions:
Emery-Dreifuss muscular dystrophy (EDMD). Also called: Scapuloperoneal syndrome, X-linked (formerly); Humeroperoneal neuromuscular disease, (formerly). Identifiers: Orphanet 261, MedGen C0410189, MONDO:0016830.

Allele frequency attached by ClinVar (database versions not stated): gnomAD exomes 0.00005 and 0.00012; TOPMed 0.00010; ExAC 0.00012.
gnomAD v4.1: 27 of 1,606,024 alleles (0.0017%); highest among the groups gnomAD compares: Admixed American, 0.043%; 1 homozygote.

Submissions (2):

Labcorp Genetics (formerly Invitae), Labcorp
Classification: Uncertain significance for Emery-Dreifuss muscular dystrophy. Last evaluated: 2025-05-18. Review status: criteria provided, single submitter. Criteria: Invitae Variant Classification Sherloc (09022015). Collection method: clinical testing. Allele origin: germline.
Comment: This sequence change replaces serine, which is neutral and polar, with asparagine, which is neutral and polar, at codon 78 of the SUN1 protein (p.Ser78Asn). This variant is present in population databases (rs780522800, gnomAD 0.08%), and has an allele count higher than expected for a pathogenic variant. This variant has not been reported in the literature in individuals affected with SUN1-related conditions. ClinVar contains an entry for this variant (Variation ID: 1052100). An algorithm developed to predict the effect of missense changes on protein structure and function outputs the following: PolyPhen-2: "Benign". The asparagine amino acid residue is found in multiple mammalian species, which suggests that this missense change does not adversely affect protein function. In summary, the available evidence is currently insufficient to determine the role of this variant in disease. Therefore, it has been classified as a Variant of Uncertain Significance.

Ambry Genetics
Classification: Uncertain significance. Last evaluated: 2021-09-16. Review status: criteria provided, single submitter. Criteria: Ambry Variant Classification Scheme 2023. Collection method: clinical testing. Allele origin: germline.

NM_001130965.3(SUN1):c.233G>A (p.Ser78Asn)

Gene: SUN1 (Sad1 and UNC84 domain containing 1; plus strand). Cytogenetic location: 7p22.3.
Variant type: single nucleotide variant.
Coding change: c.233G>A on transcript NM_001130965.3 (MANE Select); coding-DNA position 233, G replaced by A.
Protein change: p.Ser78Asn; replaces serine 78 with asparagine.
Molecular consequence: missense variant. On other transcripts: 5 prime UTR variant (2), non-coding transcript variant (3), intron variant (2).
Genome position (GRCh38, 1-based): chr7:838,953, G>A. VCF-style: chr7-838953-G-A. GRCh37 (hg19) VCF-style: chr7-878590-G-A.
Other names: c.233G>A, p.Ser78Asn (NM_001171944.2, NM_001171946.2, NM_001367633.1 and 34 more transcripts); c.296G>A, p.Ser99Asn (NM_001171945.2); c.-225G>A (NM_001367635.1); c.83G>A, p.Ser28Asn (NM_001367636.1, NM_001367637.1, NM_001367644.1 and 24 more transcripts); c.452G>A, p.Ser151Asn (NM_001367651.1); c.-529G>A (NM_001367658.1); c.233G>A (NM_001130965.2); c.78-2993G>A (NM_001367695.1); and 1 more; short protein forms S151N, S28N, S78N, S99N.
Identifiers: ClinVar variation 1052100 (VCV001052100.6), dbSNP rs780522800, ClinGen allele CA4111419.